The following is an entry in ClinVar:

NM_000264.5(PTCH1):c.4117G>A (p.Ala1373Thr)

Gene: PTCH1 (patched 1; minus strand). Cytogenetic location: 9q22.32.
Variant type: single nucleotide variant.
Coding change: c.4117G>A on transcript NM_000264.5 (MANE Select); coding-DNA position 4117, G replaced by A.
Protein change: p.Ala1373Thr; replaces alanine 1373 with threonine.
Molecular consequence: missense variant. On other transcripts: non-coding transcript variant (1).
Genome position (GRCh38, 1-based): chr9:95,447,139, C>T on the plus strand (G>A on the coding strand, the complement: PTCH1 is on the minus strand). VCF-style: chr9-95447139-C-T. GRCh37 (hg19) VCF-style: chr9-98209421-C-T.
Other names: c.3919G>A, p.Ala1307Thr (NM_001083602.3); c.4114G>A, p.Ala1372Thr (NM_001083603.3); c.3664G>A, p.Ala1222Thr (NM_001083604.3, NM_001083605.3, NM_001083606.3 and 1 more transcripts); c.3961G>A, p.Ala1321Thr (NM_001354918.2); short protein forms A1222T, A1321T, A1372T, A1373T, A1307T.
Identifiers: ClinVar variation 943613 (VCV000943613.13), dbSNP rs1267726258, ClinGen allele CA374110284.

ClinVar aggregate classification (germline): Uncertain significance. Review status: criteria provided, multiple submitters, no conflicts (2 of 4 stars). 2 submissions from 2 submitters: Uncertain significance (2). Last evaluated 2025-10-26.

Conditions:
Hereditary cancer-predisposing syndrome. Also called: Neoplastic Syndromes, Hereditary; Hereditary neoplastic syndrome; Hereditary Cancer Syndrome; Tumor predisposition. Identifiers: Orphanet 140162, MedGen C0027672, MeSH D009386, MONDO:0015356.
Gorlin syndrome. Also called: Nevoid Basal Cell Carcinoma Syndrome; Basal cell nevus syndrome. Identifiers: Orphanet 377, MedGen C0004779, MONDO:0007187.

Allele frequency attached by ClinVar (database versions not stated): gnomAD exomes below 0.00001.
gnomAD v4.1: 2 of 1,613,336 alleles (0.00012%); highest among the groups gnomAD compares: African/African-American, 0.0013%; no homozygotes.

Submissions (2):

Ambry Genetics
Classification: Uncertain significance for Hereditary cancer-predisposing syndrome. Last evaluated: 2025-10-26. Review status: criteria provided, single submitter. Criteria: Ambry Variant Classification Scheme 2023. Collection method: clinical testing. Allele origin: germline.
Comment: The p.A1373T variant (also known as c.4117G>A), located in coding exon 23 of the PTCH1 gene, results from a G to A substitution at nucleotide position 4117. The alanine at codon 1373 is replaced by threonine, an amino acid with similar properties. This amino acid position is conserved. In addition, this alteration is predicted to be deleterious by in silico analysis. Since supporting evidence is limited at this time, the clinical significance of this alteration remains unclear.

Labcorp Genetics (formerly Invitae), Labcorp
Classification: Uncertain significance for Gorlin syndrome. Last evaluated: 2025-03-07. Review status: criteria provided, single submitter. Criteria: Invitae Variant Classification Sherloc (09022015). Collection method: clinical testing. Allele origin: germline.
Comment: This sequence change replaces alanine, which is neutral and non-polar, with threonine, which is neutral and polar, at codon 1373 of the PTCH1 protein (p.Ala1373Thr). This variant is present in population databases (no rsID available, gnomAD 0.0009%). This variant has not been reported in the literature in individuals affected with PTCH1-related conditions. ClinVar contains an entry for this variant (Variation ID: 943613). Invitae Evidence Modeling of protein sequence and biophysical properties (such as structural, functional, and spatial information, amino acid conservation, physicochemical variation, residue mobility, and thermodynamic stability) has been performed for this missense variant. However, the output from this modeling did not meet the statistical confidence thresholds required to predict the impact of this variant on PTCH1 protein function. In summary, the available evidence is currently insufficient to determine the role of this variant in disease. Therefore, it has been classified as a Variant of Uncertain Significance.